The following is an entry in ClinVar:

NM_002095.6(GTF2E2):c.264G>A (p.Arg88=)

Gene: GTF2E2 (general transcription factor IIE subunit 2; minus strand). Cytogenetic location: 8p12.
Variant type: single nucleotide variant.
Coding change: c.264G>A on transcript NM_002095.6 (MANE Select); coding-DNA position 264, G replaced by A.
Protein change: p.Arg88=; no amino-acid change (arginine 88 retained).
Molecular consequence: synonymous variant.
Genome position (GRCh38, 1-based): chr8:30,614,710, C>T on the plus strand (G>A on the coding strand, the complement: GTF2E2 is on the minus strand). VCF-style: chr8-30614710-C-T. GRCh37 (hg19) VCF-style: chr8-30472227-C-T.
Other names: c.264G>A (NM_002095.4); c.264G>A, p.Arg88= (NM_001348353.1).
Identifiers: ClinVar variation 1589823 (VCV001589823.10), dbSNP rs768289418, ClinGen allele CA4701012.

ClinVar aggregate classification (germline): Likely benign. Review status: criteria provided, single submitter (1 of 4 stars). 2 submissions from 2 submitters: Likely benign (1). 1 of the submissions does not count toward it. Last evaluated 2025-10-29.

Conditions:
GTF2E2-related disorder. Also called: GTF2E2-related condition.

Allele frequency attached by ClinVar (database versions not stated): gnomAD exomes 0.00001 and 0.00005; gnomAD 0.00003 and 0.00005; ExAC 0.00004; TOPMed 0.00005.
gnomAD v4.1: 20 of 1,577,352 alleles (0.0013%); highest among the groups gnomAD compares: Admixed American, 0.022%; no homozygotes.

Submissions (2):

Labcorp Genetics (formerly Invitae), Labcorp
Classification: Likely benign. Last evaluated: 2025-10-29. Review status: criteria provided, single submitter. Criteria: Invitae Variant Classification Sherloc (09022015). Collection method: clinical testing. Allele origin: germline.

PreventionGenetics, part of Exact Sciences
Classification: Likely benign for GTF2E2-related condition. Last evaluated: 2020-02-14. Review status: no assertion criteria provided. Collection method: clinical testing. Allele origin: germline. Not counted in ClinVar's aggregate classification.
Comment: This variant is classified as likely benign based on ACMG/AMP sequence variant interpretation guidelines (Richards et al. 2015 PMID: 25741868, with internal and published modifications).